The following is an entry in ClinVar:

ClinVar aggregate classification (germline): Uncertain significance. Review status: criteria provided, multiple submitters, no conflicts (2 of 4 stars). 2 submissions from 2 submitters: Uncertain significance (2). Last evaluated 2025-12-29.

Conditions:
Hereditary cancer-predisposing syndrome. Also called: Hereditary Cancer Syndrome; Neoplastic Syndromes, Hereditary; Hereditary neoplastic syndrome; Tumor predisposition. Identifiers: Orphanet 140162, MedGen C0027672, MeSH D009386, MONDO:0015356.

Submissions (2):

Center for Genomic Medicine, Rigshospitalet, Copenhagen University Hospital
Classification: Uncertain significance. Last evaluated: 2025-12-29. Review status: criteria provided, single submitter. Criteria: ACMG Guidelines, 2015. Collection method: clinical testing. Allele origin: germline.

Ambry Genetics
Classification: Uncertain significance for Hereditary cancer-predisposing syndrome. Last evaluated: 2014-03-20. Review status: criteria provided, single submitter. Criteria: Ambry Autosomal Dominant and X-Linked criteria (10/2015). Collection method: clinical testing. Allele origin: germline. Observed: 1 variant allele.
Comment: Ã¢â‚¬â€¹The p.Y1241F variant (also known as c.3722A>T), located in coding exon 24 of the ATM gene, results from an A to T substitution at nucleotide position 3722. The tyrosine at codon 1241 is replaced by phenylalanine, an amino acid with highly similar properties. This variant was not reported in population based cohorts in the following databases: Database of Single Nucleotide Polymorphisms (dbSNP), NHLBI Exome Sequencing Project (ESP), and 1000 Genomes Project. To date, this alteration has been detected with an allele frequency of approximately 0.006% (greater than 16000 alleles tested) in our clinical cohort (includes this individual). This amino acid position is not well conserved in available vertebrate species. In addition, this alteration is predicted to be benign and tolerated by PolyPhen and SIFT in silico analyses, respectively. Since supporting evidence is limited at this time, the clinical significance of p.Y1241F remains unclear.

NM_000051.4(ATM):c.3722A>T (p.Tyr1241Phe)

Gene: ATM (ATM serine/threonine kinase; plus strand). Cytogenetic location: 11q22.3.
Variant type: single nucleotide variant.
Coding change: c.3722A>T on transcript NM_000051.4 (MANE Select); coding-DNA position 3722, A replaced by T.
Protein change: p.Tyr1241Phe; replaces tyrosine 1241 with phenylalanine.
Molecular consequence: missense variant.
Genome position (GRCh38, 1-based): chr11:108,282,855, A>T. VCF-style: chr11-108282855-A-T. GRCh37 (hg19) VCF-style: chr11-108153582-A-T.
Other names: c.3722A>T, p.Tyr1241Phe (NM_001351834.2); short protein forms Y1241F.
Identifiers: ClinVar variation 142744 (VCV000142744.4), dbSNP rs587782688, ClinGen allele CA169297.
Genomic context (GRCh38, chr11:108,282,855, plus strand): 5'-GGCTAAATCTTCAAGATACTGAATACAACTTATCTTCTTTTCCTTTTATTTTATTAAACT[A>T]CACAAATATTGAGGATTTCTATAGGTAAGTTTATACATGACATATGTGAAATTTGTTTAA-3'
Protein context (NP_000042.3, residues 1231-1251): LSSFPFILLN[Tyr1241Phe]TNIEDFYRSC